The following is an entry in ClinVar:

NM_004333.6(BRAF):c.399A>G (p.Ser133=)

Gene: BRAF (B-Raf proto-oncogene, serine/threonine kinase; minus strand). Cytogenetic location: 7q34.
Variant type: single nucleotide variant.
Coding change: c.399A>G on transcript NM_004333.6 (MANE Select); coding-DNA position 399, A replaced by G.
Protein change: p.Ser133=; no amino-acid change (serine 133 retained).
Molecular consequence: synonymous variant. On other transcripts: intron variant (1).
Genome position (GRCh38, 1-based): chr7:140,834,714, T>C on the plus strand (A>G on the coding strand, the complement: BRAF is on the minus strand). VCF-style: chr7-140834714-T-C. GRCh37 (hg19) VCF-style: chr7-140534514-T-C.
Other names: p.S133S; p.Ser133=; c.399A>G, p.Ser133= (NM_001354609.2, NM_001374244.1, NM_001374258.1 and 5 more transcripts); c.297A>G, p.Ser99= (NM_001378470.1); c.243A>G, p.Ser81= (NM_001378472.1, NM_001378473.1); c.240+15397A>G (NM_001378475.1).
Identifiers: ClinVar variation 40342 (VCV000040342.19), dbSNP rs397507463, ClinGen allele CA281945.

ClinVar aggregate classification (germline): Benign/Likely benign. Review status: criteria provided, multiple submitters, no conflicts (2 of 4 stars). 7 submissions from 7 submitters: Benign (2); Likely benign (5). Last evaluated 2026-01-27.

Conditions:
Cardiovascular phenotype. Identifiers: MedGen CN230736.
Noonan syndrome 1 (NS1). Also called: FEMALE PSEUDO-TURNER SYNDROME; TURNER PHENOTYPE WITH NORMAL KARYOTYPE; PTPN11-Related Noonan Syndrome. Identifiers: Orphanet 648, MedGen C4551602, MONDO:0008104, OMIM 163950. Disease mechanism: gain of function.
Colorectal cancer. Also called: Colorectal cancer, somatic; Malignant Colorectal Neoplasm. Identifiers: MedGen C0346629, MONDO:0005575, OMIM 114500.
Cardiofaciocutaneous syndrome 1 (CFC1). Also called: BRAF-Related Cardiofaciocutaneous Syndrome. Identifiers: Orphanet 1340, MedGen CN029449, MONDO:0007265, OMIM 115150. Disease mechanism: gain of function.
LEOPARD syndrome 3 (LPRD3). Identifiers: Orphanet 500, MedGen C3150971, MONDO:0013380, OMIM 613707.
Noonan syndrome 7 (NS7). Also called: BRAF-Related Noonan Syndrome. Identifiers: Orphanet 648, MedGen C3150970, MONDO:0013379, OMIM 613706.
Melanoma, cutaneous malignant, susceptibility to, 1 (CMM1). Also called: MELANOMA, MALIGNANT; B-K MOLE SYNDROME; DYSPLASTIC NEVUS SYNDROME, HEREDITARY; FAMILIAL ATYPICAL MOLE-MALIGNANT MELANOMA SYNDROME. Identifiers: Orphanet 618, MedGen C1835047, MONDO:0007963, OMIM 155600.
Lung cancer. Also called: Lung cancer, somatic; Malignant tumor of lung. Identifiers: MedGen C0242379, MONDO:0008903, OMIM 211980.
RASopathy. Also called: rasopathies; Noonan spectrum disorder. Identifiers: Orphanet 536391, MedGen C5555857, MONDO:0021060.

Allele frequency attached by ClinVar (database versions not stated): TOPMed 0.00011; gnomAD exomes 0.00005 and 0.00010; ExAC 0.00006; gnomAD 0.00009.
gnomAD v4.1: 98 of 1,613,944 alleles (0.0061%); highest among the groups gnomAD compares: Non-Finnish European, 0.0018%; no homozygotes.

Submissions (7):

Labcorp Genetics (formerly Invitae), Labcorp
Classification: Likely benign for RASopathy. Last evaluated: 2026-01-27. Review status: criteria provided, single submitter. Criteria: Invitae Variant Classification Sherloc (09022015). Collection method: clinical testing. Allele origin: germline.

Mayo Clinic Laboratories, Mayo Clinic
Classification: Likely benign. Last evaluated: 2025-08-14. Review status: criteria provided, single submitter. Criteria: ACMG Guidelines, 2015. Collection method: clinical testing. Allele origin: germline. Observed: 1 variant allele.
Comment: BP4, BP7

Blueprint Genetics
Classification: Likely benign. Last evaluated: 2024-11-21. Review status: criteria provided, single submitter. Criteria: ACMG Guidelines, 2015. Collection method: clinical testing. Allele origin: germline.

Ambry Genetics
Classification: Likely benign for Cardiovascular phenotype. Last evaluated: 2022-08-22. Review status: criteria provided, single submitter. Criteria: Ambry Variant Classification Scheme 2023. Collection method: clinical testing. Allele origin: germline.

Fulgent Genetics
Classification: Likely benign for Colorectal cancer; Cardiofaciocutaneous syndrome 1; Melanoma, cutaneous malignant, susceptibility to, 1; Noonan syndrome 1; Lung cancer; Noonan syndrome 7; LEOPARD syndrome 3. Last evaluated: 2021-09-14. Review status: criteria provided, single submitter. Criteria: ACMG Guidelines, 2015. Collection method: clinical testing. Allele origin: unknown.

Women's Health and Genetics/Laboratory Corporation of America, LabCorp
Classification: Benign. Last evaluated: 2018-03-20. Review status: criteria provided, single submitter. Criteria: LabCorp Variant Classification Summary - May 2015. Collection method: clinical testing. Allele origin: germline.
Comment: Variant summary: BRAF c.399A>G alters a conserved nucleotide resulting in a synonymous change. 5/5 computational tools predict no significant impact on normal splicing. However, these predictions have yet to be confirmed by functional studies. The observed variant frequency within Ashkenazi Jewish control individuals in the gnomAD database is approximately 840 fold of the estimated maximal expected allele frequency for a pathogenic variant in BRAF causing Noonan Syndrome and Related Conditions phenotype (2.5e-06), strongly suggesting that the variant is a benign polymorphism found primarily in populations of Ashkenazi Jewish origin. To our knowledge, no occurrence of c.399A>G in individuals affected with Noonan Syndrome and Related Conditions and no experimental evidence demonstrating its impact on protein function have been reported. One laboratory classified the variant as benign/likely benign. No clinical diagnostic laboratories have submitted clinical-significance assessments for this variant to ClinVar after 2014. Based on the evidence outlined above, the variant was classified as benign.

GeneDx
Classification: Benign. Last evaluated: 2015-03-03. Review status: criteria provided, single submitter. Criteria: GeneDx Variant Classification Process June 2021. Collection method: clinical testing. Allele origin: germline. Affected: yes.